The following is an entry in ClinVar:

NM_018192.4(P3H2):c.556C>T (p.Gln186Ter)

Gene: P3H2 (prolyl 3-hydroxylase 2; minus strand). Cytogenetic location: 3q28.
Variant type: single nucleotide variant.
Coding change: c.556C>T on transcript NM_018192.4 (MANE Select); coding-DNA position 556, C replaced by T.
Protein change: p.Gln186Ter; replaces glutamine 186 with a stop codon.
Molecular consequence: nonsense.
Genome position (GRCh38, 1-based): chr3:189,995,367, G>A on the plus strand (C>T on the coding strand, the complement: P3H2 is on the minus strand). VCF-style: chr3-189995367-G-A. GRCh37 (hg19) VCF-style: chr3-189713156-G-A.
Other names: P3H2, GLN5TER; c.13C>T, p.Gln5Ter (NM_001134418.2); short protein forms Q5*, Q186*.
Identifiers: ClinVar variation 162462 (VCV000162462.4), dbSNP rs724160006, ClinGen allele CA175051.

ClinVar aggregate classification (germline): Pathogenic. Review status: criteria provided, single submitter (1 of 4 stars). 2 submissions from 2 submitters: Pathogenic (1). 1 of the submissions does not count toward it. Last evaluated 2023-09-23.

Conditions:
Myopia, high, with cataract and vitreoretinal degeneration (MCVD). Identifiers: MedGen C3280346, MONDO:0013670, OMIM 614292.

Allele frequency attached by ClinVar (database versions not stated): gnomAD exomes below 0.00001.
gnomAD v4.1: 1 of 1,613,978 alleles (0.000062%); highest among the groups gnomAD compares: Non-Finnish European, 0.000085%; no homozygotes.

Submissions (2):

Labcorp Genetics (formerly Invitae), Labcorp
Classification: Pathogenic. Last evaluated: 2023-09-23. Review status: criteria provided, single submitter. Criteria: Invitae Variant Classification Sherloc (09022015). Collection method: clinical testing. Allele origin: germline.
Comment: This sequence change creates a premature translational stop signal (p.Gln186*) in the P3H2 gene. It is expected to result in an absent or disrupted protein product. Loss-of-function variants in P3H2 are known to be pathogenic (PMID: 24172257, 25469533). This variant is not present in population databases (gnomAD no frequency). For these reasons, this variant has been classified as Pathogenic. ClinVar contains an entry for this variant (Variation ID: 162462). This variant is also known as LEPREL1 c.13C>T (p.Q5X). This premature translational stop signal has been observed in individual(s) with high myopia with early-onset cataract (PMID: 24172257).

OMIM
Classification: Pathogenic for MYOPIA, HIGH, WITH CATARACT AND VITREORETINAL DEGENERATION. Last evaluated: 2014-12-01. Review status: no assertion criteria provided. Collection method: literature only. Allele origin: germline. Not counted in ClinVar's aggregate classification.

Literature cited by the submitters: PubMed 24172257 (cited by Labcorp Genetics (formerly Invitae), Labcorp and OMIM); PubMed 25469533 (cited by Labcorp Genetics (formerly Invitae), Labcorp).